The following is an entry in ClinVar:

NM_001130438.3(SPTAN1):c.3682C>T (p.Leu1228Phe)

Gene: SPTAN1 (spectrin alpha, non-erythrocytic 1; plus strand). Cytogenetic location: 9q34.11.
Variant type: single nucleotide variant.
Coding change: c.3682C>T on transcript NM_001130438.3 (MANE Select); coding-DNA position 3682, C replaced by T.
Protein change: p.Leu1228Phe; replaces leucine 1228 with phenylalanine.
Molecular consequence: missense variant.
Genome position (GRCh38, 1-based): chr9:128,604,380, C>T. VCF-style: chr9-128604380-C-T. GRCh37 (hg19) VCF-style: chr9-131366659-C-T.
Other names: c.3622C>T, p.Leu1208Phe (NM_001195532.2, NM_001363765.2, NM_001375314.2); c.3682C>T, p.Leu1228Phe (NM_001363759.2, NM_001375310.1, NM_001375311.2 and 2 more transcripts); c.3718C>T, p.Leu1240Phe (NM_001375312.2, NM_001375318.1); short protein forms L1208F, L1228F, L1240F.
Identifiers: ClinVar variation 3360633 (VCV003360633.1).

ClinVar aggregate classification (germline): Uncertain significance (1 of 4 stars; one submission).

gnomAD v4.1: 2 of 1,613,972 alleles (0.00012%); no homozygotes.

Submission:

GeneDx
Classification: Uncertain significance. Last evaluated: 2023-06-29. Review status: criteria provided, single submitter. Criteria: GeneDx Variant Classification Process June 2021. Collection method: clinical testing. Allele origin: germline. Affected: yes.
Comment: Not observed at significant frequency in large population cohorts (gnomAD); In silico analysis supports that this missense variant does not alter protein structure/function; Has not been previously published as pathogenic or benign to our knowledge